The following is an entry in ClinVar:

NM_001127198.5(TMC6):c.611G>A (p.Arg204Gln)

Genes: TMC6 (transmembrane channel like 6; minus strand), LOC130061786 (ATAC-STARR-seq lymphoblastoid silent region 9039; plus strand). Cytogenetic location: 17q25.3.
Variant type: single nucleotide variant.
Coding change: c.611G>A on transcript NM_001127198.5 (MANE Select); coding-DNA position 611, G replaced by A.
Protein change: p.Arg204Gln; replaces arginine 204 with glutamine.
Molecular consequence: missense variant.
Genome position (GRCh38, 1-based): chr17:78,124,911, C>T on the plus strand (G>A on the coding strand, the complement: TMC6 is on the minus strand). VCF-style: chr17-78124911-C-T. GRCh37 (hg19) VCF-style: chr17-76120992-C-T.
Other names: c.611G>A, p.Arg204Gln (NM_001321185.1, NM_001374593.1, NM_001374594.1 and 4 more transcripts); c.611G>A (NM_007267.6); short protein forms R204Q.
Identifiers: ClinVar variation 971267 (VCV000971267.7), dbSNP rs769859459, ClinGen allele CA8796060.

ClinVar aggregate classification (germline): Uncertain significance. Review status: criteria provided, multiple submitters, no conflicts (2 of 4 stars). 2 submissions from 2 submitters: Uncertain significance (2). Last evaluated 2025-05-13.

Conditions:
Epidermodysplasia verruciformis. Identifiers: Orphanet 302, MedGen C0014522, MONDO:0009176.
Inborn genetic diseases. Identifiers: MedGen C0950123, MeSH D030342.

Allele frequency attached by ClinVar (database versions not stated): gnomAD 0.00004 and 0.00003; gnomAD exomes 0.00004 and 0.00005; TOPMed 0.00003; ExAC 0.00008.

Submissions (2):

Ambry Genetics
Classification: Uncertain significance for Inborn genetic diseases. Last evaluated: 2025-05-13. Review status: criteria provided, single submitter. Criteria: Ambry Variant Classification Scheme 2023. Collection method: clinical testing. Allele origin: germline.

Labcorp Genetics (formerly Invitae), Labcorp
Classification: Uncertain significance for Epidermodysplasia verruciformis. Last evaluated: 2023-12-11. Review status: criteria provided, single submitter. Criteria: Invitae Variant Classification Sherloc (09022015). Collection method: clinical testing. Allele origin: germline.
Comment: This sequence change replaces arginine with glutamine at codon 204 of the TMC6 protein (p.Arg204Gln). The arginine residue is weakly conserved and there is a small physicochemical difference between arginine and glutamine. This variant is present in population databases (rs769859459, gnomAD 0.007%). This variant has not been reported in the literature in individuals affected with TMC6-related conditions. ClinVar contains an entry for this variant (Variation ID: 971267). Algorithms developed to predict the effect of missense changes on protein structure and function output the following: SIFT: "Not Available"; PolyPhen-2: "Benign"; Align-GVGD: "Not Available". The glutamine amino acid residue is found in multiple mammalian species, which suggests that this missense change does not adversely affect protein function. In summary, the available evidence is currently insufficient to determine the role of this variant in disease. Therefore, it has been classified as a Variant of Uncertain Significance.